The following is an entry in ClinVar:

NM_000521.4(HEXB):c.646G>A (p.Val216Ile)

Gene: HEXB (hexosaminidase subunit beta; plus strand). Cytogenetic location: 5q13.3.
Variant type: single nucleotide variant.
Coding change: c.646G>A on transcript NM_000521.4 (MANE Select); coding-DNA position 646, G replaced by A.
Protein change: p.Val216Ile; replaces valine 216 with isoleucine.
Molecular consequence: missense variant. On other transcripts: 5 prime UTR variant (1).
Genome position (GRCh38, 1-based): chr5:74,697,083, G>A. VCF-style: chr5-74697083-G-A. GRCh37 (hg19) VCF-style: chr5-73992908-G-A.
Other names: c.-30G>A (NM_001292004.2); short protein forms V216I.
Identifiers: ClinVar variation 1985287 (VCV001985287.1), dbSNP rs1580383684, ClinGen allele CA360064068.

ClinVar aggregate classification (germline): Uncertain significance (1 of 4 stars; one submission).

Conditions:
Sandhoff disease. Also called: Beta-hexosaminidase-beta-subunit deficiency; GM2 gangliosidosis, type 2; Total hexosaminidase deficiency; Sandhoff-Jatzkewitz-Pilz disease; GM2-GANGLIOSIDOSIS, TYPE II; HEXOSAMINIDASES A AND B DEFICIENCY. Identifiers: Orphanet 796, MedGen C0036161, MONDO:0010006, OMIM 268800.

Submission:

Labcorp Genetics (formerly Invitae), Labcorp
Classification: Uncertain significance for Sandhoff disease. Last evaluated: 2022-09-13. Review status: criteria provided, single submitter. Criteria: Invitae Variant Classification Sherloc (09022015). Collection method: clinical testing. Allele origin: germline.
Comment: This sequence change replaces valine, which is neutral and non-polar, with isoleucine, which is neutral and non-polar, at codon 216 of the HEXB protein (p.Val216Ile). This variant is not present in population databases (gnomAD no frequency). This variant has not been reported in the literature in individuals affected with HEXB-related conditions. Advanced modeling of protein sequence and biophysical properties (such as structural, functional, and spatial information, amino acid conservation, physicochemical variation, residue mobility, and thermodynamic stability) performed at Invitae indicates that this missense variant is not expected to disrupt HEXB protein function. In summary, the available evidence is currently insufficient to determine the role of this variant in disease. Therefore, it has been classified as a Variant of Uncertain Significance.